The following is an entry in ClinVar:

NM_212482.4(FN1):c.693C>G (p.Cys231Trp)

Gene: FN1 (fibronectin 1; minus strand). Cytogenetic location: 2q35.
Variant type: single nucleotide variant.
Coding change: c.693C>G on transcript NM_212482.4 (MANE Select); coding-DNA position 693, C replaced by G.
Protein change: p.Cys231Trp; replaces cysteine 231 with tryptophan.
Molecular consequence: missense variant.
Genome position (GRCh38, 1-based): chr2:215,428,331, G>C on the plus strand (C>G on the coding strand, the complement: FN1 is on the minus strand). VCF-style: chr2-215428331-G-C. GRCh37 (hg19) VCF-style: chr2-216293054-G-C.
Other names: c.693C>G, p.Cys231Trp (NM_001306129.2, NM_001306130.2, NM_001306131.2 and 14 more transcripts); short protein forms C231W.
Identifiers: ClinVar variation 421465 (VCV000421465.4), dbSNP rs1064795155, ClinGen allele CA16617467.

ClinVar aggregate classification (germline): Likely pathogenic. Review status: criteria provided, multiple submitters, no conflicts (2 of 4 stars). 3 submissions from 3 submitters: Likely pathogenic (2). 1 of the submissions does not count toward it. Last evaluated 2016-06-13.

Conditions:
Spondylometaphyseal dysplasia - Sutcliffe type. Also called: Spondylometaphyseal Dysplasia, Corner Fracture Type; Sutcliffe type of spondylometaphyseal dysplasia; Sutcliffe SMD; Spondylometaphyseal dysplasia, 'corner fracture' type. Identifiers: Orphanet 93315, MedGen C0432221, MONDO:0008479, OMIM 184255.
Spondylometaphyseal dysplasia. Identifiers: Orphanet 254, MedGen C4759767, MONDO:0016763, HP:0002657.

Submissions (3):

GeneDx
Classification: Likely pathogenic. Last evaluated: 2016-06-13. Review status: criteria provided, single submitter. Criteria: GeneDx Variant Classification (06012015). Collection method: clinical testing. Allele origin: germline. Affected: yes.
Comment: The C231W variant in the FN1 gene has not been reported previously as a pathogenic variant, nor as a benign variant, to our knowledge. This variant was not observed in approximately 6500 individuals of European and African American ancestry in the NHLBI Exome Sequencing Project, indicating it is not a common benign variant in these populations. The C231W variant is a non-conservative amino acid substitution, which is likely to impact secondary protein structure as these residues differ in polarity, charge, size and/or other properties. This substitution occurs at a position that is conserved across species, and in silico analysis predicts this variant is probably damaging to the protein structure/function. The C231W variant is a strong candidate for a pathogenic variant

Genetics and Personalized Medicine Clinic, Tartu University Hospital
Classification: Likely pathogenic for Spondylometaphyseal dysplasia - Sutcliffe type. Review status: criteria provided, single submitter. Criteria: ACMG Guidelines, 2015. Collection method: clinical testing. Allele origin: germline. Inheritance: Autosomal dominant inheritance. Affected: yes. Observed: 1 variant allele, 1 heterozygote.

CHU Sainte-Justine Research Center, University of Montreal
Classification: Likely pathogenic for Spondylometaphyseal dysplasia. Last evaluated: 2018-05-09. Review status: no assertion criteria provided. Collection method: research. Allele origin: germline. Affected: yes. Not counted in ClinVar's aggregate classification.
Comment: 6 Individuals with novel FN1 mutations and spondylometaphyseal dysplasia

Literature cited by the submitters: NCBI Bookshelf NBK555103 (cited by Genetics and Personalized Medicine Clinic, Tartu University Hospital).